The following is an entry in ClinVar:

ClinVar aggregate classification (germline): Likely pathogenic (1 of 4 stars; one submission).

Conditions:
Glutaric aciduria, type 1. Also called: Glutaric Acidemia Type 1; Glutaryl-CoA dehydrogenase deficiency; Glutaric acidemia type I; GA I; Glutaricacidemia Type 1; Glutaricaciduria, type I. Identifiers: Orphanet 25, MedGen C0268595, MONDO:0009281, OMIM 231670.

Submission:

Natera, Inc.
Classification: Likely pathogenic for Glutaric acidemia type 1. Last evaluated: 2024-11-18. Review status: criteria provided, single submitter. Criteria: Natera Variant Classification Schema (03/2026). Collection method: clinical testing. Allele origin: germline.
Comment: The c.1219_1233delCTGGAGGCCGTGAAC variant in GCDH is an in-frame deletion. This variant is rare in the general population with a frequency below the threshold expected for the associated phenotype(s). This variant results in a change to the protein length while preserving reading frame, which may disrupt normal protein structure or function. A different variant at the same position has been determined to be Pathogenic or Likely Pathogenic. Given the available evidence, this variant is classified as Likely Pathogenic.

NM_000159.4(GCDH):c.1219_1233del (p.Leu407_Asn411del)

Gene: GCDH (glutaryl-CoA dehydrogenase; plus strand). Cytogenetic location: 19p13.13.
Variant type: Deletion.
Coding change: c.1219_1233del on transcript NM_000159.4 (MANE Select); coding-DNA positions 1219 to 1233, 15 bases deleted (CTGGAGGCCGTGAAC).
Protein change: p.Leu407_Asn411del.
Molecular consequence: inframe deletion. On other transcripts: non-coding transcript variant (2).
Genome position (GRCh38, 1-based): chr19:12,897,839-12,897,853, CTGGAGGCCGTGAAC deleted; deleting any 15 consecutive bases within chr19:12,897,834-12,897,853 gives the same sequence; the c. name uses the placement nearest the transcript's 3' end. VCF-style (leftmost placement, unchanged base first): chr19-12897833-ATGAACCTGGAGGCCG-A. GRCh37 (hg19) VCF-style: chr19-13008647-ATGAACCTGGAGGCCG-A.
Other names: c.1219_1233del, p.Leu407_Asn411del (NM_013976.5).
Identifiers: ClinVar variation 4817841 (VCV004817841.1).